The following is an entry in ClinVar:

ClinVar aggregate classification (germline): Likely benign (1 of 4 stars; one submission).

Allele frequency attached by ClinVar (database versions not stated): gnomAD exomes 0.00001; gnomAD 0.00003; TOPMed 0.00003; ExAC 0.00006.
gnomAD v4.1: 13 of 1,550,420 alleles (0.00084%); highest among the groups gnomAD compares: African/African-American, 0.0068%; no homozygotes.

Submission:

CeGaT Center for Human Genetics Tuebingen
Classification: Likely benign. Last evaluated: 2023-01-01. Review status: criteria provided, single submitter. Criteria: CeGaT Center For Human Genetics Tuebingen Variant Classification Criteria Version 2. Collection method: clinical testing. Allele origin: germline. Affected: yes. Observed: 1 variant allele.
Comment: HMCN2: BP4, BP7

NM_001291815.2(HMCN2):c.13932G>A (p.Ala4644=)

Gene: HMCN2 (hemicentin 2; plus strand). Cytogenetic location: 9q34.11.
Variant type: single nucleotide variant.
Coding change: c.13932G>A on transcript NM_001291815.2 (MANE Select); coding-DNA position 13932, G replaced by A.
Protein change: p.Ala4644=; no amino-acid change (alanine 4644 retained).
Molecular consequence: synonymous variant.
Genome position (GRCh38, 1-based): chr9:130,427,365, G>A. VCF-style: chr9-130427365-G-A. GRCh37 (hg19) VCF-style: chr9-133302752-G-A.
Identifiers: ClinVar variation 2659605 (VCV002659605.24), dbSNP rs748690966, ClinGen allele CA5282871.